The following is an entry in ClinVar:

NM_003791.4(MBTPS1):c.1018G>T (p.Gly340Ter)

Gene: MBTPS1 (membrane bound transcription factor peptidase, site 1; minus strand). Cytogenetic location: 16q23.3.
Variant type: single nucleotide variant.
Coding change: c.1018G>T on transcript NM_003791.4 (MANE Select); coding-DNA position 1018, G replaced by T.
Protein change: p.Gly340Ter; replaces glycine 340 with a stop codon.
Molecular consequence: nonsense.
Genome position (GRCh38, 1-based): chr16:84,090,888, C>A on the plus strand (G>T on the coding strand, the complement: MBTPS1 is on the minus strand). VCF-style: chr16-84090888-C-A. GRCh37 (hg19) VCF-style: chr16-84124493-C-A.
Other names: short protein forms G340*.
Identifiers: ClinVar variation 4706667 (VCV004706667.1).

ClinVar aggregate classification (germline): Pathogenic (1 of 4 stars; one submission).

gnomAD v4.1: 3 of 1,612,720 alleles (0.00019%); highest among the groups gnomAD compares: Non-Finnish European, 0.00025%; no homozygotes.

Submission:

Labcorp Genetics (formerly Invitae), Labcorp
Classification: Pathogenic. Last evaluated: 2026-01-12. Review status: criteria provided, single submitter. Criteria: Invitae Variant Classification Sherloc (09022015). Collection method: clinical testing. Allele origin: germline.
Comment: This sequence change creates a premature translational stop signal (p.Gly340*) in the MBTPS1 gene. It is expected to result in an absent or disrupted protein product. Loss-of-function variants in MBTPS1 are known to be pathogenic (PMID: 30046013). This variant is not present in population databases (gnomAD no frequency). This variant has not been reported in the literature in individuals affected with MBTPS1-related conditions. Algorithms developed to predict the effect of sequence changes on RNA splicing suggest that this variant may disrupt the consensus splice site. For these reasons, this variant has been classified as Pathogenic.

Literature cited by the submitters: PubMed 30046013.